The following is an entry in ClinVar:

ClinVar aggregate classification (germline): Uncertain significance (1 of 4 stars; one submission).

Submission:

CeGaT Center for Human Genetics Tuebingen
Classification: Uncertain significance. Last evaluated: 2026-08-01. Review status: criteria provided, single submitter. Criteria: CeGaT Center For Human Genetics Tuebingen Variant Classification Criteria Version 2. Collection method: clinical testing. Allele origin: germline. Affected: yes. Observed: 1 variant allele.
Comment: PDX1: PP2, PP3

NM_000209.4(PDX1):c.504C>G (p.Asn168Lys)

Gene: PDX1 (pancreatic and duodenal homeobox 1; plus strand). Cytogenetic location: 13q12.2.
Variant type: single nucleotide variant.
Coding change: c.504C>G on transcript NM_000209.4 (MANE Select); coding-DNA position 504, C replaced by G.
Protein change: p.Asn168Lys; replaces asparagine 168 with lysine.
Molecular consequence: missense variant.
Genome position (GRCh38, 1-based): chr13:27,924,353, C>G. VCF-style: chr13-27924353-C-G. GRCh37 (hg19) VCF-style: chr13-28498490-C-G.
Other names: short protein forms N168K.
Identifiers: ClinVar variation 5039733 (VCV005039733.1).
Genomic context (GRCh38, chr13:27,924,353, plus strand): 5'-GACGCGCACGGCCTACACGCGCGCACAGCTGCTAGAGCTGGAGAAGGAGTTCCTATTCAA[C>G]AAGTACATCTCACGGCCGCGCCGGGTGGAGCTGGCTGTCATGTTGAACTTGACCGAGAGA-3'
Protein context (NP_000200.1, residues 158-178): LLELEKEFLF[Asn168Lys]KYISRPRRVE